The following is an entry in ClinVar:

NM_014915.3(ANKRD26):c.554T>C (p.Leu185Pro)

Gene: ANKRD26 (ankyrin repeat domain 26; minus strand). Cytogenetic location: 10p12.1.
Variant type: single nucleotide variant.
Coding change: c.554T>C on transcript NM_014915.3 (MANE Select); coding-DNA position 554, T replaced by C.
Protein change: p.Leu185Pro; replaces leucine 185 with proline.
Molecular consequence: missense variant.
Genome position (GRCh38, 1-based): chr10:27,092,490, A>G on the plus strand (T>C on the coding strand, the complement: ANKRD26 is on the minus strand). VCF-style: chr10-27092490-A-G. GRCh37 (hg19) VCF-style: chr10-27381419-A-G.
Other names: c.554T>C, p.Leu185Pro (NM_001256053.2); short protein forms L185P.
Identifiers: ClinVar variation 5023869 (VCV005023869.1).

ClinVar aggregate classification (germline): Uncertain significance (1 of 4 stars; one submission).

Conditions:
Inborn genetic diseases. Identifiers: MedGen C0950123, MeSH D030342.

Submission:

Ambry Genetics
Classification: Uncertain significance for Inborn genetic diseases. Last evaluated: 2026-09-11. Review status: criteria provided, single submitter. Criteria: Ambry Variant Classification Scheme 2023. Collection method: clinical testing. Allele origin: germline.
Comment: The p.L185P variant (also known as c.554T>C), located in coding exon 4 of the ANKRD26 gene, results from a T to C substitution at nucleotide position 554. The leucine at codon 185 is replaced by proline, an amino acid with similar properties. This amino acid position is conserved. In addition, this alteration is predicted to be deleterious by in silico analysis. Based on the available evidence, the clinical significance of this variant remains unclear.